The following is an entry in ClinVar:

ClinVar aggregate classification (germline): Uncertain significance (1 of 4 stars; one submission).

Conditions:
Inborn genetic diseases. Identifiers: MedGen C0950123, MeSH D030342.

Submission:

Ambry Genetics
Classification: Uncertain significance for Inborn genetic diseases. Last evaluated: 2025-03-12. Review status: criteria provided, single submitter. Criteria: Ambry Variant Classification Scheme 2023. Collection method: clinical testing. Allele origin: germline.
Comment: The p.G157D variant (also known as c.470G>A), located in coding exon 4 of the ELANE gene, results from a G to A substitution at nucleotide position 470. The glycine at codon 157 is replaced by aspartic acid, an amino acid with similar properties. This amino acid position is conserved. In addition, this alteration is predicted to be deleterious by in silico analysis. Based on the available evidence, the clinical significance of this variant remains unclear.

NM_001972.4(ELANE):c.470G>A (p.Gly157Asp)

Gene: ELANE (elastase, neutrophil expressed; plus strand). Cytogenetic location: 19p13.3.
Variant type: single nucleotide variant.
Coding change: c.470G>A on transcript NM_001972.4 (MANE Select); coding-DNA position 470, G replaced by A.
Protein change: p.Gly157Asp; replaces glycine 157 with aspartic acid.
Molecular consequence: missense variant.
Genome position (GRCh38, 1-based): chr19:855,667, G>A. VCF-style: chr19-855667-G-A. GRCh37 (hg19) VCF-style: chr19-855667-G-A.
Other names: short protein forms G157D.
Identifiers: ClinVar variation 3844332 (VCV003844332.1).